The following is an entry in ClinVar:

NM_020631.6(PLEKHG5):c.2281A>G (p.Met761Val)

Gene: PLEKHG5 (pleckstrin homology and RhoGEF domain containing G5; minus strand). Cytogenetic location: 1p36.31.
Variant type: single nucleotide variant.
Coding change: c.2281A>G on transcript NM_020631.6 (MANE Select); coding-DNA position 2281, A replaced by G.
Protein change: p.Met761Val; replaces methionine 761 with valine.
Molecular consequence: missense variant.
Genome position (GRCh38, 1-based): chr1:6,468,555, T>C on the plus strand (A>G on the coding strand, the complement: PLEKHG5 is on the minus strand). VCF-style: chr1-6468555-T-C. GRCh37 (hg19) VCF-style: chr1-6528615-T-C.
Other names: c.2392A>G, p.Met798Val (NM_001042663.3, NM_001265592.2); c.2281A>G, p.Met761Val (NM_001042664.2, NM_001042665.2, NM_001265594.3 and 1 more transcripts); c.2488A>G, p.Met830Val (NM_001265593.2); short protein forms M761V, M830V, M798V.
Identifiers: ClinVar variation 387281 (VCV000387281.2), dbSNP rs201647966, ClinGen allele CA16603736.
Genomic context (GRCh38, chr1:6,468,555, plus strand): 5'-TGAAAGGACCGCTGTCGAACTCGGGGGAGGACAGCGTGTCCCCAGGCTCTACCACAACCA[T>C]GGCCAGGGTCTCCGTGGAGCCATCTGAGGCACTGTGGGGCCAGGAGCAGAGTCAGCCCAG-3'
Protein context (NP_065682.2, residues 751-771): ASDGSTETLA[Met761Val]VVVEPGDTLS

ClinVar aggregate classification (germline): Uncertain significance (1 of 4 stars; one submission).

Allele frequency attached by ClinVar (database versions not stated): gnomAD exomes below 0.00001 and 0.00002; gnomAD 0.00002; TOPMed 0.00002.
gnomAD v4.1: 28 of 1,612,768 alleles (0.0017%); highest among the groups gnomAD compares: East Asian, 0.0022%; no homozygotes.

Submission:

GeneDx
Classification: Uncertain significance. Last evaluated: 2017-01-20. Review status: criteria provided, single submitter. Criteria: GeneDx Variant Classification (06012015). Collection method: clinical testing. Allele origin: germline. Affected: yes.
Comment: A variant of uncertain significance has been identified in the PLEKHG5 gene. The M761V variant has not been published as a pathogenic variant, nor has it been reported as a benign variant to our knowledge. It was not observed in approximately 6,500 individuals of European and African American ancestry in the NHLBI Exome Sequencing Project, indicating it is not a common benign variant in these populations. The M761V variant is a conservative amino acid substitution, which is not likely to impact secondary protein structure as these residues share similar properties. This substitution occurs at a position where amino acids with similar properties to Methionine are tolerated across species. In silico analysis is inconsistent in its predictions as to whether or not the variant is damaging to the protein structure/function. Based on the currently available information, it is unclear whether this variant is a pathogenic variant or a rare benign variant.